The following is an entry in ClinVar:

NM_001098511.3(KIF2A):c.2054A>G (p.Glu685Gly)

Gene: KIF2A (kinesin family member 2A; plus strand). Cytogenetic location: 5q12.1.
Variant type: single nucleotide variant.
Coding change: c.2054A>G on transcript NM_001098511.3 (MANE Select); coding-DNA position 2054, A replaced by G.
Protein change: p.Glu685Gly; replaces glutamic acid 685 with glycine.
Molecular consequence: missense variant.
Genome position (GRCh38, 1-based): chr5:62,381,158, A>G. VCF-style: chr5-62381158-A-G. GRCh37 (hg19) VCF-style: chr5-61676985-A-G.
Other names: c.1859A>G, p.Glu620Gly (NM_001243952.2); c.1883A>G, p.Glu628Gly (NM_001243953.2); c.1940A>G, p.Glu647Gly (NM_004520.5); short protein forms E620G, E628G, E647G, E685G.
Identifiers: ClinVar variation 1713898 (VCV001713898.5), dbSNP rs2531401300, ClinGen allele CA359822113.

ClinVar aggregate classification (germline): Uncertain significance (1 of 4 stars; one submission).

Submission:

Labcorp Genetics (formerly Invitae), Labcorp
Classification: Uncertain significance. Last evaluated: 2022-07-15. Review status: criteria provided, single submitter. Criteria: Invitae Variant Classification Sherloc (09022015). Collection method: clinical testing. Allele origin: germline.
Comment: This sequence change replaces glutamic acid, which is acidic and polar, with glycine, which is neutral and non-polar, at codon 685 of the KIF2A protein (p.Glu685Gly). This variant is not present in population databases (gnomAD no frequency). This variant has not been reported in the literature in individuals affected with KIF2A-related conditions. Algorithms developed to predict the effect of missense changes on protein structure and function are either unavailable or do not agree on the potential impact of this missense change (SIFT: "Deleterious"; PolyPhen-2: "Benign"; Align-GVGD: "Class C0"). In summary, the available evidence is currently insufficient to determine the role of this variant in disease. Therefore, it has been classified as a Variant of Uncertain Significance.